The following is an entry in ClinVar:

NM_013275.6(ANKRD11):c.5603C>T (p.Pro1868Leu)

Gene: ANKRD11 (ankyrin repeat domain containing 11; minus strand). Cytogenetic location: 16q24.3.
Variant type: single nucleotide variant.
Coding change: c.5603C>T on transcript NM_013275.6 (MANE Select); coding-DNA position 5603, C replaced by T.
Protein change: p.Pro1868Leu; replaces proline 1868 with leucine.
Molecular consequence: missense variant.
Genome position (GRCh38, 1-based): chr16:89,280,939, G>A on the plus strand (C>T on the coding strand, the complement: ANKRD11 is on the minus strand). VCF-style: chr16-89280939-G-A. GRCh37 (hg19) VCF-style: chr16-89347347-G-A.
Other names: c.5603C>T, p.Pro1868Leu (NM_001256182.2, NM_001256183.2); short protein forms P1868L.
Identifiers: ClinVar variation 1328637 (VCV001328637.2), dbSNP rs1257832454, ClinGen allele CA397153514.

ClinVar aggregate classification (germline): Uncertain significance (1 of 4 stars; one submission).

gnomAD v4.1: 2 of 1,589,358 alleles (0.00013%); highest among the groups gnomAD compares: Non-Finnish European, 0.000086%; no homozygotes.

Submission:

GeneDx
Classification: Uncertain significance. Last evaluated: 2021-06-15. Review status: criteria provided, single submitter. Criteria: GeneDx Variant Classification Process June 2021. Collection method: clinical testing. Allele origin: germline. Affected: yes.
Comment: Has not been previously published as pathogenic or benign to our knowledge; Not observed at significant frequency in large population cohorts (Lek et al., 2016); In silico analysis supports that this missense variant does not alter protein structure/function; This variant is associated with the following publications: (PMID: 27535533)